The following is an entry in ClinVar:

ClinVar aggregate classification (germline): Pathogenic (1 of 4 stars; one submission).

Conditions:
Hearing loss, autosomal dominant 82. Also called: Deafness, autosomal dominant 82. Identifiers: MedGen C5676948, MONDO:0030719, OMIM 619804.

Submission:

Variantyx, Inc.
Classification: Pathogenic for Hearing loss, autosomal dominant 82. Last evaluated: 2026-01-15. Review status: criteria provided, single submitter. Criteria: Variantyx Assertion Criteria 2022. Collection method: clinical testing. Allele origin: de novo. Inheritance: Autosomal dominant inheritance. Affected: yes.
Comment: This is a frameshift variant in the ATP2B2 gene (OMIM: 108733). Pathogenic variants in this gene have been associated with autosomal dominant deafness 82. This variant introduces a premature termination codon in exon 12 out of 23 and is expected to result in loss of function, which is a known disease mechanism for ATP2B2 in this disorder (PMID: 30535804) (PVS1). This variant is absent from control populations (PM2), and it has not been reported in individuals with ATP2B2-related disorders in the databases available for review. Based on the current evidence, this variant is classified as pathogenic for autosomal dominant deafness 82.

Literature cited by the submitters: PubMed 30535804.

NM_001001331.4(ATP2B2):c.1445_1449del (p.Arg482fs)

Gene: ATP2B2 (ATPase plasma membrane Ca2+ transporting 2; minus strand). Cytogenetic location: 3p25.3.
Variant type: Deletion.
Coding change: c.1445_1449del on transcript NM_001001331.4 (MANE Select); coding-DNA positions 1445 to 1449, 5 bases deleted (GCCAC; older notation c.1445_1449delGCCAC).
Protein change: p.Arg482fs; shifts the reading frame from arginine 482.
Molecular consequence: frameshift variant.
Genome position (GRCh38, 1-based): chr3:10,372,019-10,372,023, GTGGC deleted on the plus strand (GCCAC on the coding strand, the reverse complement: ATP2B2 is on the minus strand); deleting any 5 consecutive bases within chr3:10,372,019-10,372,025 gives the same sequence; the c. name uses the placement nearest the transcript's 3' end. VCF-style (leftmost placement, unchanged base first): chr3-10372018-GGTGGC-G. GRCh37 (hg19) VCF-style: chr3-10413702-GGTGGC-G.
Other names: c.1310_1314del, p.Arg437fs (NM_001330611.3, NM_001353564.1, NM_001363862.1 and 2 more transcripts); c.1352_1356del, p.Arg451fs (NM_001438646.1); short protein forms R437fs, R451fs, R482fs.
Identifiers: ClinVar variation 4852247 (VCV004852247.1).
Genomic context (GRCh38, chr3:10,372,018, plus strand): 5'-GCGTGCCTGTCTTGTCTGAGCAGATGGCTGTGGCATTGCCCATGGTCTCACAGGCATCCA[GGTGGC>G]GTACCAGGTTGTTGTCCTTCATCATTTTCTGGGAGAAGGGGCAGGTGAGAGGGCAACAGT-3'